The following is an entry in ClinVar:

ClinVar aggregate classification (germline): Uncertain significance (1 of 4 stars; one submission).

Conditions:
Hereditary sensory neuropathy-deafness-dementia syndrome. Also called: Hereditary Sensory and Autonomic Neuropathy Type 1E (HSAN1E); NEUROPATHY, HEREDITARY SENSORY, WITH HEARING LOSS AND DEMENTIA; HSN IE; Hereditary sensory neuropathy type IE. Identifiers: Orphanet 456318, MedGen C3279885, MONDO:0013584, OMIM 614116.

Submission:

Labcorp Genetics (formerly Invitae), Labcorp
Classification: Uncertain significance for Hereditary sensory neuropathy-deafness-dementia syndrome. Last evaluated: 2024-09-21. Review status: criteria provided, single submitter. Criteria: Invitae Variant Classification Sherloc (09022015). Collection method: clinical testing. Allele origin: germline.
Comment: This sequence change replaces alanine, which is neutral and non-polar, with serine, which is neutral and polar, at codon 1333 of the DNMT1 protein (p.Ala1333Ser). This variant is not present in population databases (gnomAD no frequency). This variant has not been reported in the literature in individuals affected with DNMT1-related conditions. Invitae Evidence Modeling of protein sequence and biophysical properties (such as structural, functional, and spatial information, amino acid conservation, physicochemical variation, residue mobility, and thermodynamic stability) indicates that this missense variant is expected to disrupt DNMT1 protein function with a positive predictive value of 80%. In summary, the available evidence is currently insufficient to determine the role of this variant in disease. Therefore, it has been classified as a Variant of Uncertain Significance.

NM_001130823.3(DNMT1):c.3997G>T (p.Ala1333Ser)

Gene: DNMT1 (DNA methyltransferase 1; minus strand). Cytogenetic location: 19p13.2.
Variant type: single nucleotide variant.
Coding change: c.3997G>T on transcript NM_001130823.3 (MANE Select); coding-DNA position 3997, G replaced by T.
Protein change: p.Ala1333Ser; replaces alanine 1333 with serine.
Molecular consequence: missense variant.
Genome position (GRCh38, 1-based): chr19:10,138,557, C>A on the plus strand (G>T on the coding strand, the complement: DNMT1 is on the minus strand). VCF-style: chr19-10138557-C-A. GRCh37 (hg19) VCF-style: chr19-10249233-C-A.
Other names: c.3949G>T, p.Ala1317Ser (NM_001318730.2, NM_001379.4); c.3634G>T, p.Ala1212Ser (NM_001318731.2); short protein forms A1212S, A1317S, A1333S.
Identifiers: ClinVar variation 3665730 (VCV003665730.2).
Genomic context (GRCh38, chr19:10,138,557, plus strand): 5'-GGGGAGCAAACACGTGCAGTGGCTCCGGGAACAGAGGGAGCTTCTCTCCAGGGGCCGCGG[C>A]CAGGATGATGGCCCGCCTCCTAGTCTGGGCCACGCCGTACTGACCGGCCTGTGGGGGAGA-3'
Protein context (NP_001124295.1, residues 1323-1343): AQTRRRAIIL[Ala1333Ser]AAPGEKLPLF